The following is an entry in ClinVar:

NM_000540.3(RYR1):c.14196C>A (p.Ile4732=)

Gene: RYR1 (ryanodine receptor 1; plus strand). Cytogenetic location: 19q13.2.
Variant type: single nucleotide variant.
Coding change: c.14196C>A on transcript NM_000540.3 (MANE Select); coding-DNA position 14196, C replaced by A.
Protein change: p.Ile4732=; no amino-acid change (isoleucine 4732 retained).
Molecular consequence: synonymous variant.
Genome position (GRCh38, 1-based): chr19:38,577,941, C>A. VCF-style: chr19-38577941-C-A. GRCh37 (hg19) VCF-style: chr19-39068581-C-A.
Other names: c.14181C>A, p.Ile4727= (NM_001042723.2).
Identifiers: ClinVar variation 329135 (VCV000329135.20), dbSNP rs201670423, ClinGen allele CA060981.
Genomic context (GRCh38, chr19:38,577,941, plus strand): 5'-CAGCTGTGTCTACACAGCCTGATGCTCTCTTGTGCAGGTCCTGGACAAACATGGGGACAT[C>A]TACGGGCGGGAGCGGATTGCTGAGCTACTGGGCATGGACCTGGCCACACTAGAGATCACA-3'
Protein context (NP_000531.2, residues 4722-4742): KRKVLDKHGD[Ile4732=]YGRERIAELL

ClinVar aggregate classification (germline): Conflicting classifications of pathogenicity. Review status: criteria provided, conflicting classifications (1 of 4 stars). 6 submissions from 5 submitters: Uncertain significance (2); Likely benign (3). 1 of the submissions does not count toward it. Last evaluated 2026-01-25.

Conditions:
RYR1-related disorder. Also called: RYR1-related condition; RYR1-related disorders. Identifiers: MedGen CN239331.
Congenital multicore myopathy with external ophthalmoplegia (CMYO1B). Also called: MULTICORE MYOPATHY; Minicore myopathy with external ophthalmoplegia; Congenital myopathy 1B, autosomal recessive; Minicore myopathy; MULTIMINICORE DISEASE WITH EXTERNAL OPHTHALMOPLEGIA. Identifiers: Orphanet 598, Orphanet 98905, MedGen C1850674, MONDO:0009712, OMIM 255320, HP:0003789.
Malignant hyperthermia, susceptibility to, 1 (MHS1). Also called: Anesthesia related hyperthermia; Malignant hyperpyrexia; Fulminating hyperpyrexia; Pharmacogenic myopathy; RYR1-Related Malignant Hyperthermia Susceptibility; Malignant hyperthermia suceptibility 1. Identifiers: Orphanet 423, MedGen C2930980, MONDO:0007783, OMIM 145600.

Allele frequency attached by ClinVar (database versions not stated): ExAC 0.00005; gnomAD exomes 0.00006; ESP Exome Variant Server 0.00008; TOPMed 0.00010; gnomAD 0.00011.
gnomAD v4.1: 217 of 1,614,024 alleles (0.013%); highest among the groups gnomAD compares: Non-Finnish European, 0.017%; no homozygotes.

Submissions (6):

Labcorp Genetics (formerly Invitae), Labcorp
Classification: Likely benign for RYR1-related disorder. Last evaluated: 2026-01-25. Review status: criteria provided, single submitter. Criteria: Invitae Variant Classification Sherloc (09022015). Collection method: clinical testing. Allele origin: germline.

All of Us Research Program, National Institutes of Health
Classification: Likely benign for Malignant hyperthermia, susceptibility to, 1. Last evaluated: 2023-11-15. Review status: criteria provided, single submitter. Criteria: ACMG Guidelines, 2015. Collection method: clinical testing. Allele origin: germline. Inheritance: Autosomal dominant inheritance. Observed: 16 variant alleles, 16 heterozygotes.
Comment: This study involves interpretation of variants in research participants for the purpose of population health screening. Participant phenotype was not available at the time of variant classification. Additional details can be found in publication PMID: 35346344, PMCID: PMC8962531

Color Diagnostics, LLC DBA Color Health
Classification: Likely benign for Malignant hyperthermia, susceptibility to, 1. Last evaluated: 2022-04-29. Review status: criteria provided, single submitter. Criteria: ACMG Guidelines, 2015. Collection method: clinical testing. Allele origin: germline.

Illumina Laboratory Services, Illumina
Classification: Uncertain significance for Congenital multicore myopathy with external ophthalmoplegia. Last evaluated: 2018-01-12. Review status: criteria provided, single submitter. Criteria: ICSL Variant Classification Criteria 13 December 2019. Collection method: clinical testing. Allele origin: germline.

Illumina Laboratory Services, Illumina
Classification: Uncertain significance for Malignant hyperthermia, susceptibility to, 1. Last evaluated: 2018-01-12. Review status: criteria provided, single submitter. Criteria: ICSL Variant Classification Criteria 13 December 2019. Collection method: clinical testing. Allele origin: germline.

PreventionGenetics, part of Exact Sciences
Classification: Likely benign for RYR1-related condition. Last evaluated: 2019-09-12. Review status: no assertion criteria provided. Collection method: clinical testing. Allele origin: germline. Not counted in ClinVar's aggregate classification.
Comment: This variant is classified as likely benign based on ACMG/AMP sequence variant interpretation guidelines (Richards et al. 2015 PMID: 25741868, with internal and published modifications).